The following is an entry in ClinVar:

NM_003073.5(SMARCB1):c.372G>A (p.Lys124=)

Gene: SMARCB1 (SWI/SNF related BAF chromatin remodeling complex subunit B1; plus strand). Cytogenetic location: 22q11.23.
Variant type: single nucleotide variant.
Coding change: c.372G>A on transcript NM_003073.5 (MANE Select); coding-DNA position 372, G replaced by A.
Protein change: p.Lys124=; no amino-acid change (lysine 124 retained).
Molecular consequence: synonymous variant.
Genome position (GRCh38, 1-based): chr22:23,800,953, G>A. VCF-style: chr22-23800953-G-A. GRCh37 (hg19) VCF-style: chr22-24143140-G-A.
Other names: c.345G>A, p.Lys115= (NM_001007468.3, NM_001317946.2); c.372G>A, p.Lys124= (NM_001362877.2).
Identifiers: ClinVar variation 1154283 (VCV001154283.34), dbSNP rs1929107625, ClinGen allele CA513773850.

ClinVar aggregate classification (germline): Likely benign. Review status: criteria provided, multiple submitters, no conflicts (2 of 4 stars). 3 submissions from 3 submitters: Likely benign (3). Last evaluated 2024-04-16.

Conditions:
Hereditary cancer-predisposing syndrome. Also called: Tumor predisposition; Hereditary neoplastic syndrome; Hereditary Cancer Syndrome; Neoplastic Syndromes, Hereditary. Identifiers: Orphanet 140162, MedGen C0027672, MeSH D009386, MONDO:0015356.

Allele frequency attached by ClinVar (database versions not stated): gnomAD exomes below 0.00001.
gnomAD v4.1: 4 of 1,613,576 alleles (0.00025%); highest among the groups gnomAD compares: Non-Finnish European, 0.00034%; no homozygotes.

Submissions (3):

Labcorp Genetics (formerly Invitae), Labcorp
Classification: Likely benign. Last evaluated: 2024-04-16. Review status: criteria provided, single submitter. Criteria: Invitae Variant Classification Sherloc (09022015). Collection method: clinical testing. Allele origin: germline.

CeGaT Center for Human Genetics Tuebingen
Classification: Likely benign. Last evaluated: 2023-11-01. Review status: criteria provided, single submitter. Criteria: CeGaT Center For Human Genetics Tuebingen Variant Classification Criteria Version 2. Collection method: clinical testing. Allele origin: germline. Affected: yes. Observed: 1 variant allele.
Comment: SMARCB1: PM2:Supporting, BP4, BP7

Ambry Genetics
Classification: Likely benign for Hereditary cancer-predisposing syndrome. Last evaluated: 2020-07-31. Review status: criteria provided, single submitter. Criteria: Ambry Variant Classification Scheme 2023. Collection method: clinical testing. Allele origin: germline.